The following is an entry in ClinVar:

NM_015459.5(ATL3):c.226A>G (p.Ile76Val)

Gene: ATL3 (atlastin GTPase 3; minus strand). Cytogenetic location: 11q13.1.
Variant type: single nucleotide variant.
Coding change: c.226A>G on transcript NM_015459.5 (MANE Select); coding-DNA position 226, A replaced by G.
Protein change: p.Ile76Val; replaces isoleucine 76 with valine.
Molecular consequence: missense variant.
Genome position (GRCh38, 1-based): chr11:63,659,073, T>C on the plus strand (A>G on the coding strand, the complement: ATL3 is on the minus strand). VCF-style: chr11-63659073-T-C. GRCh37 (hg19) VCF-style: chr11-63426545-T-C.
Other names: c.172A>G, p.Ile58Val (NM_001290048.2); short protein forms I58V, I76V.
Identifiers: ClinVar variation 2617150 (VCV002617150.4), dbSNP rs746571488, ClinGen allele CA6063851.

ClinVar aggregate classification (germline): Uncertain significance. Review status: criteria provided, multiple submitters, no conflicts (2 of 4 stars). 2 submissions from 2 submitters: Uncertain significance (2). Last evaluated 2024-02-02.

Conditions:
Inborn genetic diseases. Identifiers: MedGen C0950123, MeSH D030342.
Neuropathy, hereditary sensory, type 1F. Also called: HSN IF; Hereditary sensory neuropathy type IF. Identifiers: Orphanet 36386, MedGen C3810194, MONDO:0014286, OMIM 615632.

Allele frequency attached by ClinVar (database versions not stated): ExAC 0.00001; gnomAD 0.00001; TOPMed 0.00001.
gnomAD v4.1: 2 of 1,614,008 alleles (0.00012%); highest among the groups gnomAD compares: South Asian, 0.0011%; no homozygotes.

Submissions (2):

Labcorp Genetics (formerly Invitae), Labcorp
Classification: Uncertain significance for Neuropathy, hereditary sensory, type 1F. Last evaluated: 2024-02-02. Review status: criteria provided, single submitter. Criteria: Invitae Variant Classification Sherloc (09022015). Collection method: clinical testing. Allele origin: germline.
Comment: This sequence change replaces isoleucine, which is neutral and non-polar, with valine, which is neutral and non-polar, at codon 76 of the ATL3 protein (p.Ile76Val). This variant is present in population databases (rs746571488, gnomAD 0.003%). This variant has not been reported in the literature in individuals affected with ATL3-related conditions. ClinVar contains an entry for this variant (Variation ID: 2617150). Advanced modeling of protein sequence and biophysical properties (such as structural, functional, and spatial information, amino acid conservation, physicochemical variation, residue mobility, and thermodynamic stability) performed at Invitae indicates that this missense variant is not expected to disrupt ATL3 protein function with a negative predictive value of 80%. In summary, the available evidence is currently insufficient to determine the role of this variant in disease. Therefore, it has been classified as a Variant of Uncertain Significance.

Ambry Genetics
Classification: Uncertain significance for Inborn genetic diseases. Last evaluated: 2023-08-14. Review status: criteria provided, single submitter. Criteria: Ambry Variant Classification Scheme 2023. Collection method: clinical testing. Allele origin: germline.